The following is an entry in ClinVar:

NM_000252.3(MTM1):c.4G>A (p.Ala2Thr)

Gene: MTM1 (myotubularin 1; plus strand). Cytogenetic location: Xq28.
Variant type: single nucleotide variant.
Coding change: c.4G>A on transcript NM_000252.3 (MANE Select); coding-DNA position 4, G replaced by A.
Protein change: p.Ala2Thr; replaces alanine 2 with threonine.
Molecular consequence: missense variant.
Genome position (GRCh38, 1-based): chrX:150,592,618, G>A. VCF-style: chrX-150592618-G-A. GRCh37 (hg19) VCF-style: chrX-149761080-G-A.
Other names: c.4G>A, p.Ala2Thr (NM_001376906.1, NM_001376907.1, NM_001376908.1); short protein forms A2T.
Identifiers: ClinVar variation 4802195 (VCV004802195.1).

ClinVar aggregate classification (germline): Uncertain significance (1 of 4 stars; one submission).

Conditions:
Severe X-linked myotubular myopathy (CNMX). Also called: X-linked centronuclear myopathy; MYOTUBULAR MYOPATHY 1; Myotubular myopathy, X-linked. Identifiers: Orphanet 596, MedGen C0410203, MONDO:0010683, OMIM 310400.

Submission:

Labcorp Genetics (formerly Invitae), Labcorp
Classification: Uncertain significance for Severe X-linked myotubular myopathy. Last evaluated: 2025-10-16. Review status: criteria provided, single submitter. Criteria: Invitae Variant Classification Sherloc (09022015). Collection method: clinical testing. Allele origin: germline.
Comment: This sequence change replaces alanine, which is neutral and non-polar, with threonine, which is neutral and polar, at codon 2 of the MTM1 protein (p.Ala2Thr). This variant is not present in population databases (gnomAD no frequency). This variant has not been reported in the literature in individuals affected with MTM1-related conditions. Invitae Evidence Modeling of protein sequence and biophysical properties (such as structural, functional, and spatial information, amino acid conservation, physicochemical variation, residue mobility, and thermodynamic stability) has been performed for this missense variant. However, the output from this modeling did not meet the statistical confidence thresholds required to predict the impact of this variant on MTM1 protein function. In summary, the available evidence is currently insufficient to determine the role of this variant in disease. Therefore, it has been classified as a Variant of Uncertain Significance.